The following is an entry in ClinVar:

ClinVar aggregate classification (germline): Uncertain significance (1 of 4 stars; one submission).

Submission:

Labcorp Genetics (formerly Invitae), Labcorp
Classification: Uncertain significance. Last evaluated: 2024-05-28. Review status: criteria provided, single submitter. Criteria: Invitae Variant Classification Sherloc (09022015). Collection method: clinical testing. Allele origin: germline.
Comment: This sequence change results in a frameshift in the DCHS1 gene (p.Ala3262Leufs*133). While this is not anticipated to result in nonsense mediated decay, it is expected to disrupt the last 37 amino acid(s) of the DCHS1 protein and extend the protein by 95 additional amino acid residues. This variant is not present in population databases (gnomAD no frequency). This variant has not been reported in the literature in individuals affected with DCHS1-related conditions. Experimental studies and prediction algorithms are not available or were not evaluated, and the functional significance of this variant is currently unknown. In summary, the available evidence is currently insufficient to determine the role of this variant in disease. Therefore, it has been classified as a Variant of Uncertain Significance.

NM_003737.4(DCHS1):c.9784del (p.Ala3262fs)

Gene: DCHS1 (dachsous cadherin-related 1; minus strand). Cytogenetic location: 11p15.4.
Variant type: Deletion.
Coding change: c.9784del on transcript NM_003737.4 (MANE Select); coding-DNA position 9784, one base deleted (G; older notation c.9784delG).
Protein change: p.Ala3262fs; shifts the reading frame from alanine 3262.
Molecular consequence: frameshift variant.
Genome position (GRCh38, 1-based): chr11:6,621,892, C deleted on the plus strand (G on the coding strand, the reverse complement: DCHS1 is on the minus strand); the first of 2 consecutive C bases (chr11:6,621,892-6,621,893); deleting either gives the same sequence. VCF-style (leftmost placement, unchanged base first): chr11-6621891-GC-G. GRCh37 (hg19) VCF-style: chr11-6643122-GC-G.
Other names: short protein forms A3262fs.
Identifiers: ClinVar variation 3685976 (VCV003685976.2).